The following is an entry in ClinVar:

ClinVar aggregate classification (germline): Benign. Review status: criteria provided, multiple submitters, no conflicts (2 of 4 stars). 5 submissions from 5 submitters: Benign (5). Last evaluated 2024-01-24.

Conditions:
Hennekam lymphangiectasia-lymphedema syndrome 1 (HKLLS1). Also called: LYMPHATIC DYSPLASIA, GENERALIZED. Identifiers: Orphanet 2136, MedGen C4012050, MONDO:0009337, OMIM 235510.

Allele frequency attached by ClinVar (database versions not stated): 1000 Genomes Project 30x 0.41302; TOPMed 0.41558; gnomAD 0.43621.
gnomAD v4.1: 642,777 of 1,440,826 alleles (45%); highest among the groups gnomAD compares: South Asian, 51%; 144,416 homozygotes.

Submissions (5):

Unidad de Genómica Garrahan, Hospital de Pediatría Garrahan
Classification: Benign. Last evaluated: 2024-01-24. Review status: criteria provided, single submitter. Criteria: ACMG Guidelines, 2015. Collection method: clinical testing. Allele origin: germline. Affected: no. Observed: 31 variant alleles.
Comment: This variant is classified as Benign based on local population frequency. This variant was detected in 33% of patients studied by a panel of primary immunodeficiencies. Number of patients: 31. Only high quality variants are reported.

Genome-Nilou Lab
Classification: Benign for Hennekam lymphangiectasia-lymphedema syndrome 1. Last evaluated: 2021-07-14. Review status: criteria provided, single submitter. Criteria: ACMG Guidelines, 2015. Collection method: clinical testing. Allele origin: germline. Affected: no.

Mendelics
Classification: Benign for Hennekam lymphangiectasia-lymphedema syndrome 1. Last evaluated: 2019-05-28. Review status: criteria provided, single submitter. Criteria: Mendelics Assertion Criteria 2017. Collection method: clinical testing. Allele origin: unknown.

GeneDx
Classification: Benign. Last evaluated: 2018-11-10. Review status: criteria provided, single submitter. Criteria: GeneDx Variant Classification Process June 2021. Collection method: clinical testing. Allele origin: germline. Affected: yes.

Breakthrough Genomics
Classification: Benign. Review status: criteria provided, single submitter. Criteria: ACMG Guidelines, 2015. Collection method: not provided. Allele origin: germline. Inheritance: Autosomal recessive inheritance. Affected: yes.

NM_133459.4(CCBE1):c.266-104C>T

Gene: CCBE1 (collagen and calcium binding EGF domains 1; minus strand). Cytogenetic location: 18q21.32.
Variant type: single nucleotide variant.
Coding change: c.266-104C>T on transcript NM_133459.4 (MANE Select); 104 bases into the intron before coding-DNA position 266, C replaced by T.
Molecular consequence: intron variant.
Genome position (GRCh38, 1-based): chr18:59,469,711, G>A on the plus strand (C>T on the coding strand, the complement: CCBE1 is on the minus strand). VCF-style: chr18-59469711-G-A. GRCh37 (hg19) VCF-style: chr18-57136943-G-A.
Identifiers: ClinVar variation 803505 (VCV000803505.8), dbSNP rs650033, ClinGen allele CA14538201.